The following is an entry in ClinVar:

NM_001378454.1(ALMS1):c.10607A>G (p.Asp3536Gly)

Gene: ALMS1 (ALMS1 centrosome and basal body associated protein; plus strand). Cytogenetic location: 2p13.1.
Variant type: single nucleotide variant.
Coding change: c.10607A>G on transcript NM_001378454.1 (MANE Select); coding-DNA position 10607, A replaced by G.
Protein change: p.Asp3536Gly; replaces aspartic acid 3536 with glycine.
Molecular consequence: missense variant.
Genome position (GRCh38, 1-based): chr2:73,572,484, A>G. VCF-style: chr2-73572484-A-G. GRCh37 (hg19) VCF-style: chr2-73799611-A-G.
Other names: c.10610A>G, p.Asp3537Gly (NM_015120.4); short protein forms D3537G, D3536G.
Identifiers: ClinVar variation 2011409 (VCV002011409.4), dbSNP rs2466443755, ClinGen allele CA347284109.

ClinVar aggregate classification (germline): Uncertain significance (1 of 4 stars; one submission).

Conditions:
Alstrom syndrome (ALMS). Identifiers: Orphanet 64, MedGen C0268425, MONDO:0008763, OMIM 203800.

Submission:

Labcorp Genetics (formerly Invitae), Labcorp
Classification: Uncertain significance for Alstrom syndrome. Last evaluated: 2022-06-27. Review status: criteria provided, single submitter. Criteria: Invitae Variant Classification Sherloc (09022015). Collection method: clinical testing. Allele origin: germline.
Comment: In summary, the available evidence is currently insufficient to determine the role of this variant in disease. Therefore, it has been classified as a Variant of Uncertain Significance. Experimental studies and prediction algorithms are not available or were not evaluated, and the functional significance of this variant is currently unknown. This variant has not been reported in the literature in individuals affected with ALMS1-related conditions. This variant is not present in population databases (gnomAD no frequency). This sequence change replaces aspartic acid, which is acidic and polar, with glycine, which is neutral and non-polar, at codon 3537 of the ALMS1 protein (p.Asp3537Gly).